The following is an entry in ClinVar:

ClinVar aggregate classification (germline): Uncertain significance. Review status: criteria provided, multiple submitters, no conflicts (2 of 4 stars). 2 submissions from 2 submitters: Uncertain significance (2). Last evaluated 2025-08-26.

Conditions:
FUS-related disorder. Also called: FUS-related condition.

gnomAD v4.1: 32 of 1,613,360 alleles (0.002%); highest among the groups gnomAD compares: African/African-American, 0.0027%; no homozygotes.

Submissions (2):

PreventionGenetics, part of Exact Sciences
Classification: Uncertain significance for FUS-related condition. Last evaluated: 2025-08-26. Review status: criteria provided, single submitter. Criteria: ACMG Guidelines, 2015. Collection method: clinical testing. Allele origin: germline.
Comment: The FUS c.820C>T variant is predicted to result in the amino acid substitution p.Arg274Cys. To our knowledge, this variant has not been reported in the literature. This variant is reported in 0.0018% of alleles in individuals of European (non-Finnish) descent in gnomAD. At this time, the clinical significance of this variant is uncertain due to the absence of conclusive functional and genetic evidence.

Mayo Clinic Laboratories, Mayo Clinic
Classification: Uncertain significance. Last evaluated: 2023-08-24. Review status: criteria provided, single submitter. Criteria: ACMG Guidelines, 2015. Collection method: clinical testing. Allele origin: germline. Observed: 1 variant allele.
Comment: BP4

NM_004960.4(FUS):c.820C>T (p.Arg274Cys)

Gene: FUS (FUS RNA binding protein; plus strand). Cytogenetic location: 16p11.2.
Variant type: single nucleotide variant.
Coding change: c.820C>T on transcript NM_004960.4 (MANE Select); coding-DNA position 820, C replaced by T.
Protein change: p.Arg274Cys; replaces arginine 274 with cysteine.
Molecular consequence: missense variant. On other transcripts: non-coding transcript variant (1).
Genome position (GRCh38, 1-based): chr16:31,188,345, C>T. VCF-style: chr16-31188345-C-T. GRCh37 (hg19) VCF-style: chr16-31199666-C-T.
Other names: p.Arg274Cys; c.817C>T, p.Arg273Cys (NM_001170634.1); c.808C>T, p.Arg270Cys (NM_001170937.1); short protein forms R270C, R273C, R274C.
Identifiers: ClinVar variation 3380386 (VCV003380386.2).